The following is an entry in ClinVar:

NM_000834.5(GRIN2B):c.2011-20_2011-17del

Gene: GRIN2B (glutamate ionotropic receptor NMDA type subunit 2B; minus strand). Cytogenetic location: 12p13.1.
Variant type: Deletion.
Coding change: c.2011-20_2011-17del on transcript NM_000834.5 (MANE Select); 20 bases into the intron before coding-DNA position 2011 through 17 bases into the intron before coding-DNA position 2011, 4 bases deleted (ATCT; older notation c.2011-20_2011-17delATCT).
Molecular consequence: intron variant.
Genome position (GRCh38, 1-based): chr12:13,571,981-13,571,984, AGAT deleted on the plus strand (ATCT on the coding strand, the reverse complement: GRIN2B is on the minus strand); deleting any 4 consecutive bases within chr12:13,571,981-13,571,987 gives the same sequence; the c. name uses the placement nearest the transcript's 3' end. VCF-style (leftmost placement, unchanged base first): chr12-13571980-CAGAT-C. GRCh37 (hg19) VCF-style: chr12-13724914-CAGAT-C.
Other names: c.2011-20_2011-17delATCT (NM_000834.3).
Identifiers: ClinVar variation 510926 (VCV000510926.10), dbSNP rs751965360, ClinGen allele CA6461130.

ClinVar aggregate classification (germline): Likely benign. Review status: criteria provided, multiple submitters, no conflicts (2 of 4 stars). 3 submissions from 3 submitters: Likely benign (3). Last evaluated 2025-11-06.

Conditions:
Developmental and epileptic encephalopathy, 27 (DEE27). Also called: GRIN2B-Related Neurodevelopmental Disorder; Epileptic encephalopathy, early infantile, 27. Identifiers: Orphanet 3451, MedGen C4015316, MONDO:0014505, OMIM 616139.
Intellectual developmental disorder, autosomal dominant 6, with or without seizures. Also called: GRIN2B-related developmental delay, intellectual disability and autism spectrum disorder; Intellectual disability, autosomal dominant 6. Identifiers: Orphanet 589547, MedGen C3151411, MONDO:0013509, OMIM 613970.

Submissions (3):

Labcorp Genetics (formerly Invitae), Labcorp
Classification: Likely benign for Developmental and epileptic encephalopathy, 27; Intellectual developmental disorder, autosomal dominant 6, with or without seizures. Last evaluated: 2025-11-06. Review status: criteria provided, single submitter. Criteria: Invitae Variant Classification Sherloc (09022015). Collection method: clinical testing. Allele origin: germline.

Blueprint Genetics
Classification: Likely benign. Last evaluated: 2023-05-09. Review status: criteria provided, single submitter. Criteria: ACMG Guidelines, 2015. Collection method: clinical testing. Allele origin: germline.

GeneDx
Classification: Likely benign. Last evaluated: 2017-07-21. Review status: criteria provided, single submitter. Criteria: GeneDx Variant Classification (06012015). Collection method: clinical testing. Allele origin: germline. Affected: yes.
Comment: This variant is considered likely benign or benign based on one or more of the following criteria: it is a conservative change, it occurs at a poorly conserved position in the protein, it is predicted to be benign by multiple in silico algorithms, and/or has population frequency not consistent with disease.